The following is an entry in ClinVar:

ClinVar aggregate classification (germline): Likely benign (1 of 4 stars; one submission).

Allele frequency attached by ClinVar (database versions not stated): 1000 Genomes Project 30x 0.00125; 1000 Genomes Project 0.00160; ESP Exome Variant Server 0.00323; TOPMed 0.00337; gnomAD 0.00365.
gnomAD v4.1: 8,605 of 1,593,352 alleles (0.54%); highest among the groups gnomAD compares: Non-Finnish European, 0.65%; 38 homozygotes.

Submission:

CeGaT Center for Human Genetics Tuebingen
Classification: Likely benign. Last evaluated: 2024-01-01. Review status: criteria provided, single submitter. Criteria: CeGaT Center For Human Genetics Tuebingen Variant Classification Criteria Version 2. Collection method: clinical testing. Allele origin: germline. Affected: yes. Observed: 2 variant alleles.
Comment: SDK2: BP4, BP7

NM_001144952.2(SDK2):c.5136C>T (p.Ser1712=)

Gene: SDK2 (sidekick cell adhesion molecule 2; minus strand). Cytogenetic location: 17q25.1.
Variant type: single nucleotide variant.
Coding change: c.5136C>T on transcript NM_001144952.2 (MANE Select); coding-DNA position 5136, C replaced by T.
Protein change: p.Ser1712=; no amino-acid change (serine 1712 retained).
Molecular consequence: synonymous variant.
Genome position (GRCh38, 1-based): chr17:73,368,438, G>A on the plus strand (C>T on the coding strand, the complement: SDK2 is on the minus strand). VCF-style: chr17-73368438-G-A. GRCh37 (hg19) VCF-style: chr17-71364577-G-A.
Identifiers: ClinVar variation 2648180 (VCV002648180.24), dbSNP rs139535646, ClinGen allele CA8742506.